The following is an entry in ClinVar:

NM_005677.4(COLQ):c.311C>A (p.Pro104His)

Gene: COLQ (collagen like tail subunit of asymmetric acetylcholinesterase; minus strand). Cytogenetic location: 3p25.1.
Variant type: single nucleotide variant.
Coding change: c.311C>A on transcript NM_005677.4 (MANE Select); coding-DNA position 311, C replaced by A.
Protein change: p.Pro104His; replaces proline 104 with histidine.
Molecular consequence: missense variant. On other transcripts: intron variant (1).
Genome position (GRCh38, 1-based): chr3:15,488,216, G>T on the plus strand (C>A on the coding strand, the complement: COLQ is on the minus strand). VCF-style: chr3-15488216-G-T. GRCh37 (hg19) VCF-style: chr3-15529723-G-T.
Other names: c.281C>A, p.Pro94His (NM_080538.2); c.219+1309C>A (NM_080539.4); c.311C>A (NM_005677.3); short protein forms P104H, P94H.
Identifiers: ClinVar variation 2115576 (VCV002115576.5), dbSNP rs2470919354, ClinGen allele CA351601000.
Genomic context (GRCh38, chr3:15,488,216, plus strand): 5'-TCCTGCTCTAAACAGAAGACAGCGAGAGGGGTCCGGTAGAGTGCACCAACCTGGGGGCCG[G>T]GAGGCCCAGGGGAGCCTAGCGAGCCTTGCATGCACGGGGACTGCGAGGTCTCCAGTTCCA-3'
Protein context (NP_005668.2, residues 94-114): MQGSLGSPGP[Pro104His]GPQGPPGLPG

ClinVar aggregate classification (germline): Uncertain significance (1 of 4 stars; one submission).

Conditions:
Congenital myasthenic syndrome 5. Identifiers: Orphanet 590, MedGen C1864233, MONDO:0011281, OMIM 603034.

Submission:

Labcorp Genetics (formerly Invitae), Labcorp
Classification: Uncertain significance for Congenital myasthenic syndrome 5. Last evaluated: 2022-03-21. Review status: criteria provided, single submitter. Criteria: Invitae Variant Classification Sherloc (09022015). Collection method: clinical testing. Allele origin: germline.
Comment: In summary, the available evidence is currently insufficient to determine the role of this variant in disease. Therefore, it has been classified as a Variant of Uncertain Significance. This variant has not been reported in the literature in individuals affected with COLQ-related conditions. Algorithms developed to predict the effect of missense changes on protein structure and function are either unavailable or do not agree on the potential impact of this missense change (SIFT: "Deleterious"; PolyPhen-2: "Not Available"; Align-GVGD: "Class C0"). This sequence change replaces proline, which is neutral and non-polar, with histidine, which is basic and polar, at codon 104 of the COLQ protein (p.Pro104His). This variant is not present in population databases (gnomAD no frequency).